The following is an entry in ClinVar:

NM_001035.3(RYR2):c.4277A>G (p.Tyr1426Cys)

Gene: RYR2 (ryanodine receptor 2; plus strand). Cytogenetic location: 1q43.
Variant type: single nucleotide variant.
Coding change: c.4277A>G on transcript NM_001035.3 (MANE Select); coding-DNA position 4277, A replaced by G.
Protein change: p.Tyr1426Cys; replaces tyrosine 1426 with cysteine.
Molecular consequence: missense variant.
Genome position (GRCh38, 1-based): chr1:237,593,477, A>G. VCF-style: chr1-237593477-A-G. GRCh37 (hg19) VCF-style: chr1-237756777-A-G.
Other names: short protein forms Y1426C.
Identifiers: ClinVar variation 1998777 (VCV001998777.5), dbSNP rs2546638108, ClinGen allele CA345399462.

ClinVar aggregate classification (germline): Uncertain significance. Review status: criteria provided, multiple submitters, no conflicts (2 of 4 stars). 2 submissions from 2 submitters: Uncertain significance (2). Last evaluated 2025-06-29.

Conditions:
Cardiomyopathy (CMYO). Also called: Cardiomyopathies. Identifiers: Orphanet 167848, MedGen C0878544, MONDO:0004994, HP:0001638. Inheritance: Various modes of inheritance.
Catecholaminergic polymorphic ventricular tachycardia 1. Also called: RYR2-Related Catecholaminergic Polymorphic Ventricular Tachycardia; VENTRICULAR TACHYCARDIA, CATECHOLAMINERGIC POLYMORPHIC, 1, WITH OR WITHOUT ATRIAL DYSFUNCTION AND/OR DILATED CARDIOMYOPATHY; VENTRICULAR TACHYCARDIA, STRESS-INDUCED POLYMORPHIC 1. Identifiers: Orphanet 3286, MedGen C1631597, MONDO:0011484, OMIM 604772.

Allele frequency attached by ClinVar (database versions not stated): gnomAD exomes below 0.00001.
gnomAD v4.1: 1 of 1,611,592 alleles (0.000062%); highest among the groups gnomAD compares: Non-Finnish European, 0.000085%; no homozygotes.

Submissions (2):

Color Diagnostics, LLC DBA Color Health
Classification: Uncertain significance for Cardiomyopathy. Last evaluated: 2025-06-29. Review status: criteria provided, single submitter. Criteria: ACMG Guidelines, 2015. Collection method: clinical testing. Allele origin: germline.
Comment: This missense variant replaces tyrosine with cysteine at codon 1426 of the RYR2 protein. Computational prediction is inconclusive regarding the impact of this variant on protein structure and function. To our knowledge, functional studies have not been reported for this variant. This variant has not been reported in individuals affected with RYR2-related disorders in the literature. This variant has not been identified in the general population by the Genome Aggregation Database (gnomAD). The available evidence is insufficient to determine the role of this variant in disease conclusively. Therefore, this variant is classified as a Variant of Uncertain Significance.

Labcorp Genetics (formerly Invitae), Labcorp
Classification: Uncertain significance for Catecholaminergic polymorphic ventricular tachycardia 1. Last evaluated: 2022-10-17. Review status: criteria provided, single submitter. Criteria: Invitae Variant Classification Sherloc (09022015). Collection method: clinical testing. Allele origin: germline.
Comment: In summary, the available evidence is currently insufficient to determine the role of this variant in disease. Therefore, it has been classified as a Variant of Uncertain Significance. Algorithms developed to predict the effect of missense changes on protein structure and function (SIFT, PolyPhen-2, Align-GVGD) all suggest that this variant is likely to be disruptive. This variant has not been reported in the literature in individuals affected with RYR2-related conditions. This variant is not present in population databases (gnomAD no frequency). This sequence change replaces tyrosine, which is neutral and polar, with cysteine, which is neutral and slightly polar, at codon 1426 of the RYR2 protein (p.Tyr1426Cys).